The following is an entry in ClinVar:

NM_014846.4(WASHC5):c.1163A>G (p.Asn388Ser)

Gene: WASHC5 (WASH complex subunit 5; minus strand). Cytogenetic location: 8q24.13.
Variant type: single nucleotide variant.
Coding change: c.1163A>G on transcript NM_014846.4 (MANE Select); coding-DNA position 1163, A replaced by G.
Protein change: p.Asn388Ser; replaces asparagine 388 with serine.
Molecular consequence: missense variant.
Genome position (GRCh38, 1-based): chr8:125,067,707, T>C on the plus strand (A>G on the coding strand, the complement: WASHC5 is on the minus strand). VCF-style: chr8-125067707-T-C. GRCh37 (hg19) VCF-style: chr8-126079949-T-C.
Other names: c.719A>G, p.Asn240Ser (NM_001330609.2); short protein forms N388S, N240S.
Identifiers: ClinVar variation 2054232 (VCV002054232.4), dbSNP rs1816788210, ClinGen allele CA372193913.
Genomic context (GRCh38, chr8:125,067,707, plus strand): 5'-CTGGGATTGTACCGAGAGTCTGTTAGAATCTGGTCCTTGATTTGACGAAGGCGTTTGTTG[T>C]TTGGGTCACAGGCTAGAAACAGGAAAAGTGTTACCTGCTTACTAAATGTGTAGAAAATAT-3'
Protein context (NP_055661.3, residues 378-398): LHTADSACDP[Asn388Ser]NKRLRQIKDQ

ClinVar aggregate classification (germline): Uncertain significance (1 of 4 stars; one submission).

Conditions:
Hereditary spastic paraplegia 8 (SPG8). Also called: SPASTIC PARAPLEGIA 8, AUTOSOMAL DOMINANT. Identifiers: Orphanet 100989, MedGen C1863704, MONDO:0011339, OMIM 603563.
Ritscher-Schinzel syndrome. Also called: CRANIOCEREBELLOCARDIAC DYSPLASIA. Identifiers: Orphanet 7, MedGen C0796137, MONDO:0019078.

Allele frequency attached by ClinVar (database versions not stated): gnomAD exomes below 0.00001; TOPMed below 0.00001.

Submission:

Labcorp Genetics (formerly Invitae), Labcorp
Classification: Uncertain significance for Ritscher-Schinzel syndrome; Hereditary spastic paraplegia 8. Last evaluated: 2023-11-27. Review status: criteria provided, single submitter. Criteria: Invitae Variant Classification Sherloc (09022015). Collection method: clinical testing. Allele origin: germline.
Comment: This sequence change replaces asparagine, which is neutral and polar, with serine, which is neutral and polar, at codon 388 of the WASHC5 protein (p.Asn388Ser). This variant is not present in population databases (gnomAD no frequency). This variant has not been reported in the literature in individuals affected with WASHC5-related conditions. ClinVar contains an entry for this variant (Variation ID: 2054232). Advanced modeling of protein sequence and biophysical properties (such as structural, functional, and spatial information, amino acid conservation, physicochemical variation, residue mobility, and thermodynamic stability) performed at Invitae indicates that this missense variant is not expected to disrupt WASHC5 protein function with a negative predictive value of 80%. In summary, the available evidence is currently insufficient to determine the role of this variant in disease. Therefore, it has been classified as a Variant of Uncertain Significance.